The following is an entry in ClinVar:

ClinVar aggregate classification (germline): Pathogenic. Review status: criteria provided, multiple submitters, no conflicts (2 of 4 stars). 3 submissions from 3 submitters: Pathogenic (3). Last evaluated 2025-09-02.

Conditions:
COL2A1-related disorder. Also called: COL2A1-related condition; COL2A1-related disorders.

Submissions (3):

Labcorp Genetics (formerly Invitae), Labcorp
Classification: Pathogenic. Last evaluated: 2025-09-02. Review status: criteria provided, single submitter. Criteria: Invitae Variant Classification Sherloc (09022015). Collection method: clinical testing. Allele origin: germline.
Comment: This sequence change creates a premature translational stop signal (p.Gly171Valfs*28) in the COL2A1 gene. It is expected to result in an absent or disrupted protein product. Loss-of-function variants in COL2A1 are known to be pathogenic (PMID: 20179744). This variant is not present in population databases (gnomAD no frequency). This premature translational stop signal has been observed in individual(s) with Stickler dysplasia type 1 (PMID: 15895462). ClinVar contains an entry for this variant (Variation ID: 1074466). For these reasons, this variant has been classified as Pathogenic.

GeneDx
Classification: Pathogenic. Last evaluated: 2024-08-01. Review status: criteria provided, single submitter. Criteria: GeneDx Variant Classification Process June 2021. Collection method: clinical testing. Allele origin: germline. Affected: yes.
Comment: Frameshift variant predicted to result in protein truncation or nonsense mediated decay in a gene for which loss of function is a known mechanism of disease; Not observed at significant frequency in large population cohorts (gnomAD); This variant is associated with the following publications: (PMID: 15895462)

Blueprint Genetics
Classification: Pathogenic for COL2A1-related disorders. Last evaluated: 2024-07-25. Review status: criteria provided, single submitter. Criteria: ACMG Guidelines, 2015. Collection method: clinical testing. Allele origin: germline. Affected: yes. Observed: 3 variant alleles.

Literature cited by the submitters: PubMed 20179744 (cited by Labcorp Genetics (formerly Invitae), Labcorp); PubMed 15895462 (cited by Labcorp Genetics (formerly Invitae), Labcorp).

NM_001844.5(COL2A1):c.510del (p.Gly171fs)

Gene: COL2A1 (collagen type II alpha 1 chain; minus strand). Cytogenetic location: 12q13.11.
Variant type: Deletion.
Coding change: c.510del on transcript NM_001844.5 (MANE Select); coding-DNA position 510, one base deleted (T; older notation c.510delT).
Protein change: p.Gly171fs; shifts the reading frame from glycine 171.
Molecular consequence: frameshift variant.
Genome position (GRCh38, 1-based): chr12:47,997,627, A deleted on the plus strand (T on the coding strand, the reverse complement: COL2A1 is on the minus strand). VCF-style (leftmost placement, unchanged base first): chr12-47997626-CA-C. GRCh37 (hg19) VCF-style: chr12-48391409-CA-C.
Other names: c.303del, p.Gly102fs (NM_033150.3); c.510del (NM_001844.4); short protein forms G102fs, G171fs.
Identifiers: ClinVar variation 1074466 (VCV001074466.11), dbSNP rs2136625993, ClinGen allele CA2499221685.